The following is an entry in ClinVar:

NM_001080449.3(DNA2):c.2855A>G (p.Asp952Gly)

Gene: DNA2 (DNA replication helicase/nuclease 2; minus strand). Cytogenetic location: 10q21.3.
Variant type: single nucleotide variant.
Coding change: c.2855A>G on transcript NM_001080449.3 (MANE Select); coding-DNA position 2855, A replaced by G.
Protein change: p.Asp952Gly; replaces aspartic acid 952 with glycine.
Molecular consequence: missense variant. On other transcripts: non-coding transcript variant (1).
Genome position (GRCh38, 1-based): chr10:68,419,146, T>C on the plus strand (A>G on the coding strand, the complement: DNA2 is on the minus strand). VCF-style: chr10-68419146-T-C. GRCh37 (hg19) VCF-style: chr10-70178903-T-C.
Other names: short protein forms D952G.
Identifiers: ClinVar variation 2882526 (VCV002882526.3), dbSNP rs2493895048, ClinGen allele CA376841542.
Genomic context (GRCh38, chr10:68,419,146, plus strand): 5'-CTTCCTTGGTATTTGTCTACTGTATTAACTTCGACCATCCCAATAGAACGTGCCAATAAA[T>C]CATTGATGATCTTTAATTGCTGCCTGTACGGTGCAATAATACCAATATCAGAGGGACTGC-3'
Protein context (NP_001073918.2, residues 942-962): PYRQQLKIIN[Asp952Gly]LLARSIGMVE

ClinVar aggregate classification (germline): Uncertain significance (1 of 4 stars; one submission).

Allele frequency attached by ClinVar (database versions not stated): gnomAD exomes below 0.00001.
gnomAD v4.1: 2 of 1,613,440 alleles (0.00012%); highest among the groups gnomAD compares: Non-Finnish European, 0.000085%; no homozygotes.

Submission:

Labcorp Genetics (formerly Invitae), Labcorp
Classification: Uncertain significance. Last evaluated: 2025-06-17. Review status: criteria provided, single submitter. Criteria: Invitae Variant Classification Sherloc (09022015). Collection method: clinical testing. Allele origin: germline.
Comment: This sequence change replaces aspartic acid, which is acidic and polar, with glycine, which is neutral and non-polar, at codon 952 of the DNA2 protein (p.Asp952Gly). This variant is not present in population databases (gnomAD no frequency). This variant has not been reported in the literature in individuals affected with DNA2-related conditions. ClinVar contains an entry for this variant (Variation ID: 2882526). Invitae Evidence Modeling of protein sequence and biophysical properties (such as structural, functional, and spatial information, amino acid conservation, physicochemical variation, residue mobility, and thermodynamic stability) indicates that this missense variant is not expected to disrupt DNA2 protein function with a negative predictive value of 80%. In summary, the available evidence is currently insufficient to determine the role of this variant in disease. Therefore, it has been classified as a Variant of Uncertain Significance.